The following is an entry in ClinVar:

NM_001244710.2(GFPT1):c.1105+1G>A

Gene: GFPT1 (glutamine--fructose-6-phosphate transaminase 1; minus strand). Cytogenetic location: 2p13.3.
Variant type: single nucleotide variant.
Coding change: c.1105+1G>A on transcript NM_001244710.2 (MANE Select); the canonical splice donor site of the intron after coding-DNA position 1105, G replaced by A.
Molecular consequence: splice donor variant.
Genome position (GRCh38, 1-based): chr2:69,345,903, C>T on the plus strand (G>A on the coding strand, the complement: GFPT1 is on the minus strand). VCF-style: chr2-69345903-C-T. GRCh37 (hg19) VCF-style: chr2-69573035-C-T.
Other names: c.1051+1G>A (NM_002056.4).
Identifiers: ClinVar variation 540351 (VCV000540351.7), dbSNP rs1553389102, ClinGen allele CA347126168.

ClinVar aggregate classification (germline): Likely pathogenic (1 of 4 stars; one submission).

Conditions:
Congenital myasthenic syndrome 12 (CMS12). Also called: MYASTHENIC SYNDROME, CONGENITAL, WITH TUBULAR AGGREGATES 1; Myasthenia, congenital, 12, with tubular aggregates. Identifiers: Orphanet 353327, Orphanet 590, MedGen C3552335, MONDO:0012518, OMIM 610542.

Submission:

Labcorp Genetics (formerly Invitae), Labcorp
Classification: Likely pathogenic for Congenital myasthenic syndrome 12. Last evaluated: 2017-11-03. Review status: criteria provided, single submitter. Criteria: Invitae Variant Classification Sherloc (09022015). Collection method: clinical testing. Allele origin: germline.
Comment: In summary, the currently available evidence indicates that the variant is pathogenic, but additional data are needed to prove that conclusively. Therefore, this variant has been classified as Likely Pathogenic. Donor and acceptor splice site variants typically lead to a loss of protein function (PMID: 16199547), and loss-of-function variants in GFPT1 are known to be pathogenic (PMID: 23794683). This variant has not been reported in the literature in individuals with GFPT1-related disease. This variant is not present in population databases (ExAC no frequency). This sequence change affects a donor splice site in intron 11 of the GFPT1 gene. It is expected to disrupt RNA splicing and likely results in an absent or disrupted protein product. The GFTP1 gene has multiple clinically relevant isoforms. The c.1051+1G>A variant in the primary transcript (NM_002056.3) corresponds to position c.1105+1G>A in alternative transcript NM_001244710.1.

Literature cited by the submitters: PubMed 16199547; PubMed 23794683.